The following is an entry in ClinVar:

NM_004544.4(NDUFA10):c.*2133A>G

Gene: NDUFA10 (NADH:ubiquinone oxidoreductase subunit A10; minus strand). Cytogenetic location: 2q37.3.
Variant type: single nucleotide variant.
Coding change: c.*2133A>G on transcript NM_004544.4 (MANE Select); 2133 bases downstream of the stop codon, A replaced by G.
Molecular consequence: 3 prime UTR variant. On other transcripts: non-coding transcript variant (3).
Genome position (GRCh38, 1-based): chr2:239,958,985, T>C on the plus strand (A>G on the coding strand, the complement: NDUFA10 is on the minus strand). VCF-style: chr2-239958985-T-C. GRCh37 (hg19) VCF-style: chr2-240898402-T-C.
Other names: c.*2138A>G (NM_001322020.2).
Identifiers: ClinVar variation 896838 (VCV000896838.5), dbSNP rs6736791, ClinGen allele CA68047691.

ClinVar aggregate classification (germline): Conflicting classifications of pathogenicity. Review status: criteria provided, conflicting classifications (1 of 4 stars). 3 submissions from 2 submitters: Uncertain significance (1); Benign (1); Likely benign (1). Last evaluated 2021-10-10.

Conditions:
Mitochondrial complex I deficiency, nuclear type 1. Also called: NADH-COENZYME Q REDUCTASE DEFICIENCY; MITOCHONDRIAL NADH DEHYDROGENASE COMPONENT OF COMPLEX I, DEFICIENCY OF. Identifiers: MedGen C6022305, MONDO:0100224, OMIM 252010.
Leigh syndrome (NULS). Also called: Leigh Disease; Subacute necrotizing encephalopathy; Leigh Syndrome (mtDNA deletion); Leigh's syndrome; Leigh's necrotizing encephalopathy; Leigh's disease. Identifiers: Orphanet 506, MedGen C2931891, MONDO:0009723, OMIM 256000.

Allele frequency attached by ClinVar (database versions not stated): gnomAD exomes 0.00072; 1000 Genomes Project 0.01018; gnomAD 0.01041 and 0.01130; 1000 Genomes Project 30x 0.01093; TOPMed 0.01195.
gnomAD v4.1: 2,204 of 985,470 alleles (0.22%); highest among the groups gnomAD compares: African/African-American, 3.6%; 29 homozygotes.

Submissions (3):

GeneDx
Classification: Likely benign. Last evaluated: 2021-10-10. Review status: criteria provided, single submitter. Criteria: GeneDx Variant Classification Process June 2021. Collection method: clinical testing. Allele origin: germline. Affected: yes.

Illumina Laboratory Services, Illumina
Classification: Uncertain significance for Mitochondrial complex I deficiency, nuclear type 1. Last evaluated: 2017-04-27. Review status: criteria provided, single submitter. Criteria: ICSL Variant Classification Criteria 13 December 2019. Collection method: clinical testing. Allele origin: germline.

Illumina Laboratory Services, Illumina
Classification: Benign for Leigh syndrome. Last evaluated: 2017-04-27. Review status: criteria provided, single submitter. Criteria: ICSL Variant Classification Criteria 13 December 2019. Collection method: clinical testing. Allele origin: germline.
Comment: This variant was observed as part of a predisposition screen in an ostensibly healthy population. A literature search was performed for the gene, cDNA change, and amino acid change (where applicable). No publications were found based on this search. Allele frequency data from public databases was too high to be consistent with this variant causing disease. Therefore, this variant is classified as benign.